The following is an entry in ClinVar:

NM_005629.4(SLC6A8):c.271C>T (p.Leu91Phe)

Gene: SLC6A8 (solute carrier family 6 member 8; plus strand). Cytogenetic location: Xq28.
Variant type: single nucleotide variant.
Coding change: c.271C>T on transcript NM_005629.4 (MANE Select); coding-DNA position 271, C replaced by T.
Protein change: p.Leu91Phe; replaces leucine 91 with phenylalanine.
Molecular consequence: missense variant. On other transcripts: 5 prime UTR variant (1).
Genome position (GRCh38, 1-based): chrX:153,690,383, C>T. VCF-style: chrX-153690383-C-T. GRCh37 (hg19) VCF-style: chrX-152955838-C-T.
Other names: c.271C>T, p.Leu91Phe (NM_001142805.2); c.-75C>T (NM_001142806.1); short protein forms L91F.
Identifiers: ClinVar variation 4747440 (VCV004747440.1).

ClinVar aggregate classification (germline): Uncertain significance (1 of 4 stars; one submission).

Conditions:
Creatine transporter deficiency (CCDS1). Also called: CEREBRAL CREATINE DEFICIENCY SYNDROME 1; Creatine Transporter (CRTR) Deficiency; Mental retardation , X-linked with seizures, short stature and midface hypoplasia; Mental retardation , X-linked, with creatine transport deficiency; X-linked creatine transporter deficiency; X-linked creatine deficiency syndrome. Identifiers: Orphanet 52503, MedGen C1845862, MONDO:0010305, OMIM 300352.

Submission:

Labcorp Genetics (formerly Invitae), Labcorp
Classification: Uncertain significance for Creatine transporter deficiency. Last evaluated: 2025-05-07. Review status: criteria provided, single submitter. Criteria: Invitae Variant Classification Sherloc (09022015). Collection method: clinical testing. Allele origin: germline.
Comment: This sequence change replaces leucine, which is neutral and non-polar, with phenylalanine, which is neutral and non-polar, at codon 91 of the SLC6A8 protein (p.Leu91Phe). This variant is not present in population databases (gnomAD no frequency). This variant has not been reported in the literature in individuals affected with SLC6A8-related conditions. Invitae Evidence Modeling of protein sequence and biophysical properties (such as structural, functional, and spatial information, amino acid conservation, physicochemical variation, residue mobility, and thermodynamic stability) indicates that this missense variant is not expected to disrupt SLC6A8 protein function with a negative predictive value of 95%. In summary, the available evidence is currently insufficient to determine the role of this variant in disease. Therefore, it has been classified as a Variant of Uncertain Significance.